The following is an entry in ClinVar:

NM_024426.6(WT1):c.77G>A (p.Gly26Glu)

Genes: WT1 (WT1 transcription factor; minus strand), LOC107982234 (WT1/WT1-AS bi-directional promoter region; plus strand). Cytogenetic location: 11p13.
Variant type: single nucleotide variant.
Coding change: c.77G>A on transcript NM_024426.6 (MANE Select); coding-DNA position 77, G replaced by A.
Protein change: p.Gly26Glu; replaces glycine 26 with glutamic acid.
Molecular consequence: missense variant. On other transcripts: non-coding transcript variant (1).
Genome position (GRCh38, 1-based): chr11:32,435,284, C>T on the plus strand (G>A on the coding strand, the complement: WT1 is on the minus strand). VCF-style: chr11-32435284-C-T. GRCh37 (hg19) VCF-style: chr11-32456830-C-T.
Other names: p.Gly26Glu; c.77G>A, p.Gly26Glu (NM_000378.6, NM_024424.5); short protein forms G26E.
Identifiers: ClinVar variation 543141 (VCV000543141.18), dbSNP rs1484558172, ClinGen allele CA379966435.

ClinVar aggregate classification (germline): Uncertain significance. Review status: criteria provided, multiple submitters, no conflicts (2 of 4 stars). 7 submissions from 7 submitters: Uncertain significance (7). Last evaluated 2025-09-07.

Conditions:
Wilms tumor 1 (WT1). Also called: Wilms tumor, somatic. Identifiers: Orphanet 654, MedGen CN033288, MONDO:0008679, OMIM 194070.
11p partial monosomy syndrome (WAGR). Also called: WAGR Spectrum Disorder; WAGR syndrome; WAGR Complex; CHROMOSOME 11p13 DELETION SYNDROME. Identifiers: Orphanet 893, MedGen C0206115, MONDO:0008681, OMIM 194072.
Drash syndrome (DDS). Also called: WILMS TUMOR AND PSEUDO- OR TRUE HERMAPHRODITISM; NEPHROPATHY, WILMS TUMOR, AND GENITAL ANOMALIES. Identifiers: Orphanet 220, MedGen C0950121, MONDO:0008682, OMIM 194080.
Frasier syndrome. Identifiers: Orphanet 347, MedGen C0950122, MeSH D052159, MONDO:0007635, OMIM 136680.
Inborn genetic diseases. Identifiers: MedGen C0950123, MeSH D030342.
Meacham syndrome. Also called: Meacham Winn Culler syndrome. Identifiers: Orphanet 3097, MedGen C1837026, MONDO:0012164, OMIM 608978.
Mesothelioma, malignant (MESOM). Also called: Malignant mesothelioma (disease). Identifiers: Orphanet 50251, MedGen C0345967, MONDO:0006292, OMIM 156240, HP:0100001.
Nephrotic syndrome, type 4 (NPHS4). Also called: Familial mesangial sclerosis; Nephrotic syndrome, early onset with diffuse mesangial sclerosis. Identifiers: Orphanet 656, MedGen C3151568, MONDO:0009733, OMIM 256370.

Allele frequency attached by ClinVar (database versions not stated): gnomAD exomes 0.00001.
gnomAD v4.1: 3 of 1,533,942 alleles (0.0002%); highest among the groups gnomAD compares: Non-Finnish European, 0.00026%; no homozygotes.

Submissions (7):

Labcorp Genetics (formerly Invitae), Labcorp
Classification: Uncertain significance for Wilms tumor 1; Drash syndrome; 11p partial monosomy syndrome; Frasier syndrome. Last evaluated: 2025-09-07. Review status: criteria provided, single submitter. Criteria: Invitae Variant Classification Sherloc (09022015). Collection method: clinical testing. Allele origin: germline.
Comment: This sequence change replaces glycine, which is neutral and non-polar, with glutamic acid, which is acidic and polar, at codon 21 of the WT1 protein (p.Gly21Glu). The frequency data for this variant in the population databases is considered unreliable, as metrics indicate poor data quality at this position in the gnomAD database. This variant has not been reported in the literature in individuals affected with WT1-related conditions. ClinVar contains an entry for this variant (Variation ID: 543141). An algorithm developed to predict the effect of missense changes on protein structure and function outputs the following: PolyPhen-2: "Benign". The glutamic acid amino acid residue is found in multiple mammalian species, which suggests that this missense change does not adversely affect protein function. In summary, the available evidence is currently insufficient to determine the role of this variant in disease. Therefore, it has been classified as a Variant of Uncertain Significance.

Mayo Clinic Laboratories, Mayo Clinic
Classification: Uncertain significance. Last evaluated: 2025-03-23. Review status: criteria provided, single submitter. Criteria: ACMG Guidelines, 2015. Collection method: clinical testing. Allele origin: germline. Observed: 1 variant allele.
Comment: BP4

Ambry Genetics
Classification: Uncertain significance for Inborn genetic diseases. Last evaluated: 2024-12-02. Review status: criteria provided, single submitter. Criteria: Ambry Variant Classification Scheme 2023. Collection method: clinical testing. Allele origin: germline.
Comment: The p.G21E variant (also known as c.62G>A), located in coding exon 1 of the WT1 gene, results from a G to A substitution at nucleotide position 62. The glycine at codon 21 is replaced by glutamic acid, an amino acid with similar properties. This amino acid position is conserved. In addition, this alteration is predicted to be tolerated by in silico analysis. Based on the available evidence, the clinical significance of this variant remains unclear.

Fulgent Genetics
Classification: Uncertain significance for Frasier syndrome; Mesothelioma, malignant; Wilms tumor 1; Drash syndrome; Nephrotic syndrome, type 4; Meacham syndrome. Last evaluated: 2024-04-23. Review status: criteria provided, single submitter. Criteria: ACMG Guidelines, 2015. Collection method: clinical testing. Allele origin: germline.

All of Us Research Program, National Institutes of Health
Classification: Uncertain significance for Wilms tumor 1. Last evaluated: 2024-04-16. Review status: criteria provided, single submitter. Criteria: ACMG Guidelines, 2015. Collection method: clinical testing. Allele origin: germline. Inheritance: Autosomal dominant inheritance. Observed: 1 variant allele, 1 heterozygote.
Comment: This missense variant replaces glycine with glutamic acid at codon 21 of the WT1 protein. Computational prediction suggests that this variant may not impact protein structure and function (internally defined REVEL score threshold <= 0.5, PMID: 27666373). To our knowledge, functional studies have not been reported for this variant. This variant has not been reported in individuals affected with WT1-related disorders in the literature. This variant has been identified in 1/129778 chromosomes in the general population by the Genome Aggregation Database (gnomAD). The available evidence is insufficient to determine the role of this variant in disease conclusively. Therefore, this variant is classified as a Variant of Uncertain Significance.

This study involves interpretation of variants in research participants for the purpose of population health screening. Participant phenotype was not available at the time of variant classification. Additional details can be found in publication PMID: 35346344, PMCID: PMC8962531

GeneDx
Classification: Uncertain significance. Last evaluated: 2023-11-14. Review status: criteria provided, single submitter. Criteria: GeneDx Variant Classification Process June 2021. Collection method: clinical testing. Allele origin: germline.
Comment: Not observed at significant frequency in large population cohorts (gnomAD); In silico analysis supports that this missense variant does not alter protein structure/function; Has not been previously published as pathogenic or benign to our knowledge

Baylor Genetics
Classification: Uncertain significance for Drash syndrome. Last evaluated: 2023-11-12. Review status: criteria provided, single submitter. Criteria: ACMG Guidelines, 2015. Collection method: clinical testing. Allele origin: unknown.